The following is an entry in ClinVar:

ClinVar aggregate classification (germline): Uncertain significance (1 of 4 stars; one submission).

Conditions:
Cardiovascular phenotype. Identifiers: MedGen CN230736.

Allele frequency attached by ClinVar (database versions not stated): TOPMed below 0.00001; gnomAD exomes 0.00001.

Submission:

Ambry Genetics
Classification: Uncertain significance for Cardiovascular phenotype. Last evaluated: 2021-08-07. Review status: criteria provided, single submitter. Criteria: Ambry Variant Classification Scheme 2023. Collection method: clinical testing. Allele origin: germline.
Comment: The p.S180G variant (also known as c.538A>G), located in coding exon 4 of the ACVRL1 gene, results from an A to G substitution at nucleotide position 538. The serine at codon 180 is replaced by glycine, an amino acid with similar properties. This amino acid position is conserved. In addition, this alteration is predicted to be tolerated by in silico analysis. Since supporting evidence is limited at this time, the clinical significance of this alteration remains unclear.

NM_000020.3(ACVRL1):c.538A>G (p.Ser180Gly)

Gene: ACVRL1 (activin A receptor like type 1; plus strand). Cytogenetic location: 12q13.13.
Variant type: single nucleotide variant.
Coding change: c.538A>G on transcript NM_000020.3 (MANE Select); coding-DNA position 538, A replaced by G.
Protein change: p.Ser180Gly; replaces serine 180 with glycine.
Molecular consequence: missense variant.
Genome position (GRCh38, 1-based): chr12:51,913,986, A>G. VCF-style: chr12-51913986-A-G. GRCh37 (hg19) VCF-style: chr12-52307770-A-G.
Other names: c.538A>G, p.Ser180Gly (NM_001077401.2, NM_001406487.1, NM_001406488.1 and 1 more transcripts); short protein forms S180G.
Identifiers: ClinVar variation 1747208 (VCV001747208.2), dbSNP rs1427517228, ClinGen allele CA384899494.